The following is an entry in ClinVar:

ClinVar aggregate classification (germline): Pathogenic (1 of 4 stars; one submission).

Submission:

Labcorp Genetics (formerly Invitae), Labcorp
Classification: Pathogenic. Last evaluated: 2021-05-27. Review status: criteria provided, single submitter. Criteria: Invitae Variant Classification Sherloc (09022015). Collection method: clinical testing. Allele origin: germline.
Comment: For these reasons, this variant has been classified as Pathogenic. This variant has not been reported in the literature in individuals with LAMB3-related conditions. This variant is not present in population databases (ExAC no frequency). This sequence change creates a premature translational stop signal (p.Cys553Alafs*7) in the LAMB3 gene. It is expected to result in an absent or disrupted protein product. Loss-of-function variants in LAMB3 are known to be pathogenic (PMID: 11023379, 16473856).

Literature cited by the submitters: PubMed 11023379; PubMed 16473856.

NM_000228.3(LAMB3):c.1657del (p.Cys553fs)

Gene: LAMB3 (laminin subunit beta 3; minus strand). Cytogenetic location: 1q32.2.
Variant type: Deletion.
Coding change: c.1657del on transcript NM_000228.3 (MANE Select); coding-DNA position 1657, one base deleted (T; older notation c.1657delT).
Protein change: p.Cys553fs; shifts the reading frame from cysteine 553.
Molecular consequence: frameshift variant.
Genome position (GRCh38, 1-based): chr1:209,625,967, A deleted on the plus strand (T on the coding strand, the reverse complement: LAMB3 is on the minus strand). VCF-style (leftmost placement, unchanged base first): chr1-209625966-CA-C. GRCh37 (hg19) VCF-style: chr1-209799311-CA-C.
Other names: c.1657del, p.Cys553fs (NM_001017402.2, NM_001127641.1); short protein forms C553fs.
Identifiers: ClinVar variation 1421047 (VCV001421047.6), dbSNP rs2102420949, ClinGen allele CA2573130651.
Genomic context (GRCh38, chr1:209,625,966, plus strand): 5'-TTACAGTAGCCTCGCTGGCACTGGTCACAGCGGGGCCCGGTCAAGCCAGGGCGGCAGAGG[CA>C]GCGGCCTGATGCCTTGTCGCAGCCCGGGCCCTCTGTTCCCCGGAAATCACAGTCACAGGC-3'